The following is an entry in ClinVar:

NM_000038.6(APC):c.3682C>T (p.Gln1228Ter)

Gene: APC (APC regulator of Wnt signaling pathway; plus strand). Cytogenetic location: 5q22.2.
Variant type: single nucleotide variant.
Coding change: c.3682C>T on transcript NM_000038.6 (MANE Select); coding-DNA position 3682, C replaced by T.
Protein change: p.Gln1228Ter; replaces glutamine 1228 with a stop codon.
Molecular consequence: nonsense.
Genome position (GRCh38, 1-based): chr5:112,839,276, C>T. VCF-style: chr5-112839276-C-T. GRCh37 (hg19) VCF-style: chr5-112174973-C-T.
Other names: c.3682C>T, p.Gln1228Ter (NM_001127510.3, NM_001354895.2); c.3628C>T, p.Gln1210Ter (NM_001127511.3); c.3736C>T, p.Gln1246Ter (NM_001354896.2); c.3712C>T, p.Gln1238Ter (NM_001354897.2); c.3607C>T, p.Gln1203Ter (NM_001354898.2); c.3598C>T, p.Gln1200Ter (NM_001354899.2); c.3559C>T, p.Gln1187Ter (NM_001354900.2); c.3505C>T, p.Gln1169Ter (NM_001354901.2); and 5 more; short protein forms Q1210*, Q1228*, Q1187*, Q1200*, Q1203*, Q1246*, Q945*, Q1102*.
Identifiers: ClinVar variation 433650 (VCV000433650.6), dbSNP rs1554085227, ClinGen allele CA16029415.

ClinVar aggregate classification (germline): Pathogenic. Review status: criteria provided, multiple submitters, no conflicts (2 of 4 stars). 3 submissions from 3 submitters: Pathogenic (2). 1 of the submissions does not count toward it. Last evaluated 2023-05-09.

Conditions:
Hereditary cancer-predisposing syndrome. Also called: Hereditary neoplastic syndrome; Hereditary Cancer Syndrome; Tumor predisposition; Neoplastic Syndromes, Hereditary. Identifiers: Orphanet 140162, MedGen C0027672, MeSH D009386, MONDO:0015356.
Familial adenomatous polyposis 1 (FAP1). Also called: FAMILIAL ADENOMATOUS POLYPOSIS 1, ATTENUATED; POLYPOSIS, ADENOMATOUS INTESTINAL. Identifiers: MedGen C2713442, MONDO:0021056, OMIM 175100. Disease mechanism: loss of function.
Carcinoma of colon (CRC). Also called: Colon carcinoma; Colonic carcinoma. Identifiers: MedGen C0699790, MONDO:0002032.

Submissions (3):

Myriad Genetics, Inc.
Classification: Pathogenic for Familial adenomatous polyposis 1. Last evaluated: 2023-05-09. Review status: criteria provided, single submitter. Criteria: Myriad Autosomal Dominant, Autosomal Recessive and X-Linked Classification Criteria (2023). Collection method: clinical testing. Allele origin: unknown.
Comment: This variant is considered pathogenic. This variant creates a termination codon and is predicted to result in premature protein truncation.

Ambry Genetics
Classification: Pathogenic for Hereditary cancer-predisposing syndrome. Last evaluated: 2016-05-02. Review status: criteria provided, single submitter. Criteria: Ambry Variant Classification Scheme 2023. Collection method: clinical testing. Allele origin: germline.
Comment: The p.Q1228* pathogenic mutation (also known as c.3682C>T), located in coding exon 15 of the APC gene, results from a C to T substitution at nucleotide position 3682. This changes the amino acid from a glutamine to a stop codon within coding exon 15. This mutation has been detected in multiple individuals with a clinical diagnosis of FAP (Lagarde A et al. J. Med. Genet. 2010 Oct;47(10):721-2; Gismondi V et al. Hum. Mutat. 1997;9(4):370-3). In addition to the clinical data presented in the literature, since premature stop codons are typically deleterious in nature, this alteration is interpreted as a disease-causing mutation (ACMG Recommendations for Standards for Interpretation and Reporting of Sequence Variations. Revision 2007. Genet Med. 2008;10:294).

Department of Pathology and Laboratory Medicine, Sinai Health System
Classification: Pathogenic for Carcinoma of colon. Review status: no assertion criteria provided. Collection method: clinical testing. Allele origin: unknown. Affected: yes. Study: The Canadian Open Genetics Repository (COGR). Not counted in ClinVar's aggregate classification.
Comment: The p.Gln1228X variant was identified in 2 of 88 proband chromosomes (frequency: 0.023) from individuals or families (multiple populations) with FAP/desmoids (Gismondi 1997, Latchford 2007). The variant was identified in the HGMD, COSMIC, and â€šÃ„ÃºInSiGHT Colon Cancer Databaseâ€šÃ„Ã¹. The p.Gln1228X variant leads to a premature stop codon at position 1228, which is predicted to lead to a truncated or absent protein and loss of function. Loss of function variants of the APC gene are an established mechanism of disease in FAP and this is the type of variant expected to cause the disorder. In summary, based on the above information, this variant meets our laboratoryâ€šÃ„Ã´s criteria to be classified as pathogenic.

Literature cited by the submitters: PubMed 20685668 (cited by Ambry Genetics); PubMed 9101302 (cited by Ambry Genetics).